The following is an entry in ClinVar:

ClinVar aggregate classification (germline): Uncertain significance. Review status: criteria provided, multiple submitters, no conflicts (2 of 4 stars). 2 submissions from 2 submitters: Uncertain significance (2). Last evaluated 2022-01-17.

Conditions:
Intellectual developmental disorder, X-linked, syndromic, Stocco dos Santos type. Also called: STOCCO DOS SANTOS X-LINKED MENTAL RETARDATION SYNDROME; X-linked intellectual disability, Stocco dos Santos type; Stocco dos Santos syndrome. Identifiers: Orphanet 85288, MedGen C1845530, MONDO:0010325, OMIM 300434.

Allele frequency attached by ClinVar (database versions not stated): gnomAD exomes 0.00001 and 0.00002; TOPMed 0.00001; gnomAD 0.00001; ExAC 0.00001.
gnomAD v4.1: 7 of 1,209,004 alleles (0.00058%); highest among the groups gnomAD compares: South Asian, 0.0035%; no homozygotes.

Submissions (2):

MGZ Medical Genetics Center
Classification: Uncertain significance for Intellectual developmental disorder, X-linked, syndromic, Stocco dos Santos type. Last evaluated: 2022-01-17. Review status: criteria provided, single submitter. Criteria: ACMG Guidelines, 2015. Collection method: clinical testing. Allele origin: germline. Affected: yes. Observed: 1 variant allele.
Comment: ACMG criteria applied: PM2_SUP, BP4

CeGaT Center for Human Genetics Tuebingen
Classification: Uncertain significance. Last evaluated: 2017-10-01. Review status: criteria provided, single submitter. Criteria: CeGaT Center For Human Genetics Tuebingen Variant Classification Criteria Version 2. Collection method: clinical testing. Allele origin: germline. Affected: yes. Observed: 1 variant allele.

NM_020717.5(SHROOM4):c.2773C>T (p.Arg925Trp)

Gene: SHROOM4 (shroom family member 4; minus strand). Cytogenetic location: Xp11.22.
Variant type: single nucleotide variant.
Coding change: c.2773C>T on transcript NM_020717.5 (MANE Select); coding-DNA position 2773, C replaced by T.
Protein change: p.Arg925Trp; replaces arginine 925 with tryptophan.
Molecular consequence: missense variant. On other transcripts: non-coding transcript variant (4).
Genome position (GRCh38, 1-based): chrX:50,633,300, G>A on the plus strand (C>T on the coding strand, the complement: SHROOM4 is on the minus strand). VCF-style: chrX-50633300-G-A. GRCh37 (hg19) VCF-style: chrX-50376300-G-A.
Other names: short protein forms R925W.
Identifiers: ClinVar variation 493523 (VCV000493523.45), dbSNP rs782753421, ClinGen allele CA10416089.